The following is an entry in ClinVar:

NM_022455.5(NSD1):c.3682G>C (p.Asp1228His)

Gene: NSD1 (nuclear receptor binding SET domain protein 1; plus strand). Cytogenetic location: 5q35.3.
Variant type: single nucleotide variant.
Coding change: c.3682G>C on transcript NM_022455.5 (MANE Select); coding-DNA position 3682, G replaced by C.
Protein change: p.Asp1228His; replaces aspartic acid 1228 with histidine.
Molecular consequence: missense variant.
Genome position (GRCh38, 1-based): chr5:177,212,081, G>C. VCF-style: chr5-177212081-G-C. GRCh37 (hg19) VCF-style: chr5-176639082-G-C.
Other names: c.3682G>C, p.Asp1228His (NM_001409301.1, NM_001409302.1, NM_001409303.1); c.3262G>C, p.Asp1088His (NM_001409304.1); c.2929G>C, p.Asp977His (NM_001409305.1); c.2809G>C, p.Asp937His (NM_001409306.1, NM_001409307.1, NM_001409308.1 and 3 more transcripts); short protein forms D1228H, D959H, D1088H, D937H, D977H.
Identifiers: ClinVar variation 639826 (VCV000639826.10), dbSNP rs1161564727, ClinGen allele CA362327046.

ClinVar aggregate classification (germline): Uncertain significance. Review status: criteria provided, multiple submitters, no conflicts (2 of 4 stars). 3 submissions from 2 submitters: Uncertain significance (2). 1 of the submissions does not count toward it. Last evaluated 2024-01-06.

Conditions:
Sotos syndrome (SOTOS). Also called: CHROMOSOME 5q35 DELETION SYNDROME; CEREBRAL GIGANTISM; Sotos' syndrome; SOTOS SYNDROME 1; Distinctive facial appearance, overgrowth in childhood, and learning disabilities or delayed development. Identifiers: Orphanet 821, MedGen C0175695, MONDO:0019349, OMIM 117550.

Submissions (3):

Fulgent Genetics
Classification: Uncertain significance for Sotos syndrome. Last evaluated: 2024-01-06. Review status: criteria provided, single submitter. Criteria: ACMG Guidelines, 2015. Collection method: clinical testing. Allele origin: germline.

Labcorp Genetics (formerly Invitae), Labcorp
Classification: Uncertain significance. Last evaluated: 2018-08-13. Review status: criteria provided, single submitter. Criteria: Invitae Variant Classification Sherloc (09022015). Collection method: clinical testing. Allele origin: germline.
Comment: This sequence change replaces aspartic acid with histidine at codon 1228 of the NSD1 protein (p.Asp1228His). The aspartic acid residue is weakly conserved and there is a moderate physicochemical difference between aspartic acid and histidine. This variant is not present in population databases (ExAC no frequency). This variant has not been reported in the literature in individuals with NSD1-related disease. Algorithms developed to predict the effect of missense changes on protein structure and function are either unavailable or do not agree on the potential impact of this missense change (SIFT: "Deleterious"; PolyPhen-2: "Possibly Damaging"; Align-GVGD: "Class C0"). In summary, the available evidence is currently insufficient to determine the role of this variant in disease. Therefore, it has been classified as a Variant of Uncertain Significance.

Labcorp Genetics (formerly Invitae), Labcorp
Classification: Uncertain significance. Last evaluated: 2021-08-27. Review status: flagged submission. Criteria: Invitae Variant Classification Sherloc (09022015). Collection method: clinical testing. Allele origin: germline. Not counted in ClinVar's aggregate classification.
Comment: This sequence change replaces aspartic acid with histidine at codon 1228 of the NSD1 protein (p.Asp1228His). The aspartic acid residue is weakly conserved and there is a moderate physicochemical difference between aspartic acid and histidine. This variant is not present in population databases (ExAC no frequency). This variant has not been reported in the literature in individuals affected with NSD1-related conditions. Algorithms developed to predict the effect of missense changes on protein structure and function are either unavailable or do not agree on the potential impact of this missense change (SIFT: "Deleterious"; PolyPhen-2: "Possibly Damaging"; Align-GVGD: "Class C0"). In summary, the available evidence is currently insufficient to determine the role of this variant in disease. Therefore, it has been classified as a Variant of Uncertain Significance.
ClinVar note: Reason: This record appears to be redundant with a more recent record from the same submitter.
ClinVar note: Notes: SCV001567893 appears to be redundant with SCV000932045.